The following is an entry in ClinVar:

ClinVar aggregate classification (germline): Benign/Likely benign. Review status: criteria provided, multiple submitters, no conflicts (2 of 4 stars). 3 submissions from 3 submitters: Benign (1); Likely benign (2). Last evaluated 2025-04-23.

Conditions:
Early-infantile DEE. Also called: Ohtahara syndrome; Early infantile epileptic encephalopathy; Early infantile epileptic encephalopathy with suppression bursts. Identifiers: Orphanet 1934, MedGen C0393706, MONDO:0800491.

Allele frequency attached by ClinVar (database versions not stated): TOPMed 0.00002; gnomAD 0.00003; ExAC 0.00005; gnomAD exomes 0.00005 and 0.00007; 1000 Genomes Project 30x 0.00016; 1000 Genomes Project 0.00020.
gnomAD v4.1: 72 of 1,611,630 alleles (0.0045%); highest among the groups gnomAD compares: South Asian, 0.0088%; no homozygotes.

Submissions (3):

Labcorp Genetics (formerly Invitae), Labcorp
Classification: Likely benign for Early-infantile DEE. Last evaluated: 2025-04-23. Review status: criteria provided, single submitter. Criteria: Invitae Variant Classification Sherloc (09022015). Collection method: clinical testing. Allele origin: germline.

Blueprint Genetics
Classification: Likely benign. Last evaluated: 2021-07-15. Review status: criteria provided, single submitter. Criteria: ACMG Guidelines, 2015. Collection method: clinical testing. Allele origin: germline.

GeneDx
Classification: Benign. Last evaluated: 2014-11-14. Review status: criteria provided, single submitter. Criteria: GeneDx Variant Classification (06012015). Collection method: clinical testing. Allele origin: germline. Affected: yes.
Comment: This variant is considered likely benign or benign based on one or more of the following criteria: it is a conservative change, it occurs at a poorly conserved position in the protein, it is predicted to be benign by multiple in silico algorithms, and/or has population frequency not consistent with disease.

NM_001191061.2(SLC25A22):c.294-14C>T

Gene: SLC25A22 (solute carrier family 25 member 22; minus strand). Cytogenetic location: 11p15.5.
Variant type: single nucleotide variant.
Coding change: c.294-14C>T on transcript NM_001191061.2 (MANE Select); 14 bases into the intron before coding-DNA position 294, C replaced by T.
Molecular consequence: intron variant.
Genome position (GRCh38, 1-based): chr11:793,002, G>A on the plus strand (C>T on the coding strand, the complement: SLC25A22 is on the minus strand). VCF-style: chr11-793002-G-A. GRCh37 (hg19) VCF-style: chr11-793002-G-A.
Other names: c.294-14C>T (NM_001191060.2, NM_024698.6).
Identifiers: ClinVar variation 207150 (VCV000207150.11), dbSNP rs200362178, ClinGen allele CA318338.